The following is an entry in ClinVar:

ClinVar aggregate classification (germline): Uncertain significance (1 of 4 stars; one submission).

Allele frequency attached by ClinVar (database versions not stated): gnomAD exomes 0.00002 and 0.00003; ExAC 0.00003; TOPMed 0.00006; ESP Exome Variant Server 0.00008; gnomAD 0.00009.
gnomAD v4.1: 37 of 1,613,960 alleles (0.0023%); highest among the groups gnomAD compares: African/African-American, 0.015%; no homozygotes.

Submission:

Labcorp Genetics (formerly Invitae), Labcorp
Classification: Uncertain significance. Last evaluated: 2021-10-04. Review status: criteria provided, single submitter. Criteria: Invitae Variant Classification Sherloc (09022015). Collection method: clinical testing. Allele origin: germline.
Comment: This sequence change replaces arginine with glutamine at codon 1036 of the SBF1 protein (p.Arg1036Gln). The arginine residue is weakly conserved and there is a small physicochemical difference between arginine and glutamine. This variant is present in population databases (rs370712712, ExAC 0.01%). This variant has not been reported in the literature in individuals affected with SBF1-related conditions. Algorithms developed to predict the effect of missense changes on protein structure and function output the following: SIFT: "Tolerated"; PolyPhen-2: "Benign"; Align-GVGD: "Class C0". The glutamine amino acid residue is found in multiple mammalian species, which suggests that this missense change does not adversely affect protein function. Algorithms developed to predict the effect of sequence changes on RNA splicing suggest that this variant may create or strengthen a splice site. In summary, the available evidence is currently insufficient to determine the role of this variant in disease. Therefore, it has been classified as a Variant of Uncertain Significance.

NM_002972.4(SBF1):c.3107G>A (p.Arg1036Gln)

Gene: SBF1 (SET binding factor 1; minus strand). Cytogenetic location: 22q13.33.
Variant type: single nucleotide variant.
Coding change: c.3107G>A on transcript NM_002972.4 (MANE Select); coding-DNA position 3107, G replaced by A.
Protein change: p.Arg1036Gln; replaces arginine 1036 with glutamine.
Molecular consequence: missense variant.
Genome position (GRCh38, 1-based): chr22:50,460,573, C>T on the plus strand (G>A on the coding strand, the complement: SBF1 is on the minus strand). VCF-style: chr22-50460573-C-T. GRCh37 (hg19) VCF-style: chr22-50899002-C-T.
Other names: c.3110G>A, p.Arg1037Gln (NM_001365819.1); short protein forms R1036Q, R1037Q.
Identifiers: ClinVar variation 1425935 (VCV001425935.3), dbSNP rs370712712, ClinGen allele CA10316885.